The following is an entry in ClinVar:

NM_000059.4(BRCA2):c.2823G>A (p.Val941=)

Gene: BRCA2 (BRCA2 DNA repair associated; plus strand). Cytogenetic location: 13q13.1.
Variant type: single nucleotide variant.
Coding change: c.2823G>A on transcript NM_000059.4 (MANE Select); coding-DNA position 2823, G replaced by A.
Protein change: p.Val941=; no amino-acid change (valine 941 retained).
Molecular consequence: synonymous variant.
Genome position (GRCh38, 1-based): chr13:32,337,178, G>A. VCF-style: chr13-32337178-G-A. GRCh37 (hg19) VCF-style: chr13-32911315-G-A.
Identifiers: ClinVar variation 232647 (VCV000232647.46), dbSNP rs876659897, ClinGen allele CA10579552.

ClinVar aggregate classification (germline): Likely benign. Review status: reviewed by expert panel (3 of 4 stars). 7 submissions from 7 submitters: Likely benign (1). 6 of the submissions do not count toward it. Last evaluated 2017-06-29.

Conditions:
Hereditary cancer-predisposing syndrome. Also called: Neoplastic Syndromes, Hereditary; Hereditary Cancer Syndrome; Tumor predisposition; Hereditary neoplastic syndrome. Identifiers: Orphanet 140162, MedGen C0027672, MeSH D009386, MONDO:0015356.
Hereditary breast ovarian cancer syndrome. Also called: BRCA1- and BRCA2-Associated Hereditary Breast and Ovarian Cancer; Hereditary breast and ovarian cancer syndrome (HBOC); Hereditary breast and ovarian cancer syndrome; Hereditary breast and ovarian cancer; Hereditary breast and/or ovarian cancer syndrome; Breast and ovarian cancer. Identifiers: Orphanet 145, MedGen C0677776, MeSH D061325, MONDO:0003582. Disease mechanism: loss of function.
Breast-ovarian cancer, familial, susceptibility to, 2 (BROVCA2). Also called: BRCA2 Hereditary Breast and Ovarian Cancer. Identifiers: Orphanet 145, MedGen C2675520, MONDO:0012933, OMIM 612555. Disease mechanism: loss of function.

Allele frequency attached by ClinVar (database versions not stated): gnomAD exomes below 0.00001; gnomAD 0.00001; TOPMed 0.00001.
gnomAD v4.1: 3 of 1,613,542 alleles (0.00019%); highest among the groups gnomAD compares: Non-Finnish European, 0.00025%; no homozygotes.

Submissions (7):

Evidence-based Network for the Interpretation of Germline Mutant Alleles (ENIGMA)
Classification: Likely benign for Breast-ovarian cancer, familial, susceptibility to, 2. Last evaluated: 2017-06-29. Review status: reviewed by expert panel. Criteria: ENIGMA BRCA1/2 Classification Criteria (2017-06-29). Collection method: curation. Allele origin: germline.
Comment: Synonymous substitution variant, with low bioinformatic likelihood to result in a splicing aberration (Splicing prior probability 0.02).

Labcorp Genetics (formerly Invitae), Labcorp
Classification: Likely benign for Hereditary breast ovarian cancer syndrome. Last evaluated: 2025-10-10. Review status: criteria provided, single submitter. Criteria: Invitae Variant Classification Sherloc (09022015). Collection method: clinical testing. Allele origin: germline. Not counted in ClinVar's aggregate classification.

CeGaT Center for Human Genetics Tuebingen
Classification: Likely benign. Last evaluated: 2023-11-01. Review status: criteria provided, single submitter. Criteria: CeGaT Center For Human Genetics Tuebingen Variant Classification Criteria Version 2. Collection method: clinical testing. Allele origin: germline. Affected: yes. Observed: 1 variant allele. Not counted in ClinVar's aggregate classification.
Comment: BRCA2: BP4, BP7

All of Us Research Program, National Institutes of Health
Classification: Likely benign for Breast-ovarian cancer, familial, susceptibility to, 2. Last evaluated: 2023-10-02. Review status: criteria provided, single submitter. Criteria: ACMG Guidelines, 2015. Collection method: clinical testing. Allele origin: germline. Inheritance: Autosomal dominant inheritance. Observed: 1 variant allele, 1 heterozygote. Not counted in ClinVar's aggregate classification.
Comment: This study involves interpretation of variants in research participants for the purpose of population health screening. Participant phenotype was not available at the time of variant classification. Additional details can be found in publication PMID: 35346344, PMCID: PMC8962531

Color Diagnostics, LLC DBA Color Health
Classification: Likely benign for Hereditary cancer-predisposing syndrome. Last evaluated: 2018-12-10. Review status: criteria provided, single submitter. Criteria: ACMG Guidelines, 2015. Collection method: clinical testing. Allele origin: germline. Not counted in ClinVar's aggregate classification.

Ambry Genetics
Classification: Likely benign for Hereditary cancer-predisposing syndrome. Last evaluated: 2015-06-27. Review status: criteria provided, single submitter. Criteria: Ambry Variant Classification Scheme 2023. Collection method: clinical testing. Allele origin: germline. Not counted in ClinVar's aggregate classification.

GeneDx
Classification: Benign. Last evaluated: 2015-03-03. Review status: criteria provided, single submitter. Criteria: GeneDx Variant Classification Process June 2021. Collection method: clinical testing. Allele origin: germline. Affected: yes. Not counted in ClinVar's aggregate classification.